The following is an entry in ClinVar:

NM_201548.5(CERKL):c.1250del (p.Gly417fs)

Gene: CERKL (CERK like autophagy regulator; minus strand). Cytogenetic location: 2q31.3.
Variant type: Deletion.
Coding change: c.1250del on transcript NM_201548.5 (MANE Select); coding-DNA position 1250, one base deleted (G; older notation c.1250delG).
Protein change: p.Gly417fs; shifts the reading frame from glycine 417.
Molecular consequence: frameshift variant. On other transcripts: non-coding transcript variant (2).
Genome position (GRCh38, 1-based): chr2:181,547,636, C deleted on the plus strand (G on the coding strand, the reverse complement: CERKL is on the minus strand); the first of 2 consecutive C bases (chr2:181,547,636-181,547,637); deleting either gives the same sequence. VCF-style (leftmost placement, unchanged base first): chr2-181547635-GC-G. GRCh37 (hg19) VCF-style: chr2-182412362-GC-G.
Other names: c.1328del, p.Gly443fs (NM_001030311.3); c.911del, p.Gly304fs (NM_001030312.3); c.1043del, p.Gly348fs (NM_001030313.3); c.*531delG (NM_001030314.1, NM_001030315.1); c.1196del, p.Gly399fs (NM_001160277.2); c.1328delG (NM_001030311.2); short protein forms G304fs, G348fs, G399fs, G417fs, G443fs.
Identifiers: ClinVar variation 3241133 (VCV003241133.2), dbSNP rs2468291331.

ClinVar aggregate classification (germline): Likely pathogenic. Review status: criteria provided, multiple submitters, no conflicts (2 of 4 stars). 2 submissions from 2 submitters: Likely pathogenic (2). Last evaluated 2025-02-17.

Conditions:
Retinitis pigmentosa 26 (RP26). Identifiers: Orphanet 791, MedGen C1842127, MONDO:0012024, OMIM 608380.

Submissions (2):

Natera, Inc.
Classification: Likely pathogenic for Retinitis Pigmentosa 26. Last evaluated: 2025-02-17. Review status: criteria provided, single submitter. Criteria: Natera Variant Classification Schema (03/2026). Collection method: clinical testing. Allele origin: germline.
Comment: The c.1328delG variant in CERKL is a frameshift variant predicted to shift the reading frame beginning at codon 443 and leads to a stop codon 8 codons downstream. This variant is expected to result in nonsense mediated decay, truncation, or a dysfunctional protein product. This variant is rare in the general population with a frequency below the threshold expected for the associated phenotype(s). Given the available evidence, this variant is classified as Likely Pathogenic.

Baylor Genetics
Classification: Likely pathogenic for Retinitis pigmentosa 26. Last evaluated: 2024-02-06. Review status: criteria provided, single submitter. Criteria: ACMG Guidelines, 2015. Collection method: clinical testing. Allele origin: unknown.